The following is an entry in ClinVar:

NM_182746.3(MCM4):c.419T>C (p.Val140Ala)

Gene: MCM4 (minichromosome maintenance complex component 4; plus strand). Cytogenetic location: 8q11.21.
Variant type: single nucleotide variant.
Coding change: c.419T>C on transcript NM_182746.3 (MANE Select); coding-DNA position 419, T replaced by C.
Protein change: p.Val140Ala; replaces valine 140 with alanine.
Molecular consequence: missense variant.
Genome position (GRCh38, 1-based): chr8:47,962,324, T>C. VCF-style: chr8-47962324-T-C. GRCh37 (hg19) VCF-style: chr8-48874884-T-C.
Other names: c.419T>C, p.Val140Ala (NM_005914.4); short protein forms V140A.
Identifiers: ClinVar variation 3683871 (VCV003683871.2).

ClinVar aggregate classification (germline): Uncertain significance (1 of 4 stars; one submission).

gnomAD v4.1: 1 of 1,614,210 alleles (0.000062%); highest among the groups gnomAD compares: East Asian, 0.0022%; no homozygotes.

Submission:

Labcorp Genetics (formerly Invitae), Labcorp
Classification: Uncertain significance. Last evaluated: 2025-02-03. Review status: criteria provided, single submitter. Criteria: Invitae Variant Classification Sherloc (09022015). Collection method: clinical testing. Allele origin: germline.
Comment: This sequence change replaces valine, which is neutral and non-polar, with alanine, which is neutral and non-polar, at codon 140 of the MCM4 protein (p.Val140Ala). This variant is not present in population databases (gnomAD no frequency). This variant has not been reported in the literature in individuals affected with MCM4-related conditions. An algorithm developed to predict the effect of missense changes on protein structure and function outputs the following: PolyPhen-2: "Benign". The alanine amino acid residue is found in multiple mammalian species, which suggests that this missense change does not adversely affect protein function. In summary, the available evidence is currently insufficient to determine the role of this variant in disease. Therefore, it has been classified as a Variant of Uncertain Significance.